The following is an entry in ClinVar:

ClinVar aggregate classification (germline): Pathogenic (1 of 4 stars; one submission).

Conditions:
Marfan syndrome (MFS). Also called: MARFAN SYNDROME, TYPE I; FBN1-Related Marfan Syndrome; Marfan syndrome type 1; Marfan's syndrome; Marfan syndrome, classic. Identifiers: Orphanet 284963, Orphanet 558, MedGen C0024796, MONDO:0007947, OMIM 154700.

Allele frequency attached by ClinVar (database versions not stated): gnomAD exomes below 0.00001.
gnomAD v4.1: 1 of 1,614,004 alleles (0.000062%); highest among the groups gnomAD compares: Non-Finnish European, 0.000085%; no homozygotes.

Submission:

Petrovsky National Research Centre of Surgery, The Federal Agency for Scientific Organizations
Classification: Pathogenic for Marfan syndrome. Last evaluated: 2019-08-14. Review status: criteria provided, single submitter. Criteria: ACMG Guidelines, 2015. Collection method: clinical testing. Allele origin: unknown. Inheritance: Autosomal dominant inheritance. Affected: yes. Observed: 1 heterozygote.
Comment: The p.Cys1793Tyr variant was found in one individual (PMID: 17657824) and was absent from large population studies (ExAC no frequency). 2 different missense variants are known at 1793 codon (C1793R, C1793W) both were found in patients with MFS (PMID: 21895641, DOI: 10.1002/humu.9207). Cysteine at 1793 codon is located in cbEGF-like domain and is taking part in Disulfide bonds 1793-1806. Substitutions at cysteine residues in EGF domains are a common mechanism for disease in FBN1 gene (PMID: 15161917, DOI: 10.1002/humu.1380010504, DOI: 10.1002/humu.10249). In addition, computational results by PolyPhen2, Provean, SIFT, MutationTaster show deleterious effect on substitution. Based on this evidences p.Cys1793Tyr variant is classified as pathogenic.

NM_000138.5(FBN1):c.5378G>A (p.Cys1793Tyr)

Gene: FBN1 (fibrillin 1; minus strand). Cytogenetic location: 15q21.1.
Variant type: single nucleotide variant.
Coding change: c.5378G>A on transcript NM_000138.5 (MANE Select); coding-DNA position 5378, G replaced by A.
Protein change: p.Cys1793Tyr; replaces cysteine 1793 with tyrosine.
Molecular consequence: missense variant.
Genome position (GRCh38, 1-based): chr15:48,456,681, C>T on the plus strand (G>A on the coding strand, the complement: FBN1 is on the minus strand). VCF-style: chr15-48456681-C-T. GRCh37 (hg19) VCF-style: chr15-48748878-C-T.
Other names: short protein forms C1793Y.
Identifiers: ClinVar variation 684777 (VCV000684777.3), dbSNP rs1597540854, ClinGen allele CA392345993.